The following is an entry in ClinVar:

NM_025000.4(DCAF17):c.*3829G>A

Gene: DCAF17 (DDB1 and CUL4 associated factor 17; plus strand). Cytogenetic location: 2q31.1.
Variant type: single nucleotide variant.
Coding change: c.*3829G>A on transcript NM_025000.4 (MANE Select); 3829 bases downstream of the stop codon, G replaced by A.
Molecular consequence: 3 prime UTR variant. On other transcripts: non-coding transcript variant (1).
Genome position (GRCh38, 1-based): chr2:171,484,943, G>A. VCF-style: chr2-171484943-G-A. GRCh37 (hg19) VCF-style: chr2-172341453-G-A.
Other names: c.*3829G>A (NM_001164821.2).
Identifiers: ClinVar variation 332316 (VCV000332316.5), dbSNP rs59827170, ClinGen allele CA1965171.

ClinVar aggregate classification (germline): Benign (1 of 4 stars; one submission).

Conditions:
Woodhouse-Sakati syndrome. Also called: Hypogonadism, Alopecia, Diabetes Mellitus, Mental Retardation, and Extrapyramidal Syndrome; Hypogonadism, diabetes mellitus, alopecia, mental retardation and electrocardiographic abnormalities; EXTRAPYRAMIDAL DISORDER, PROGRESSIVE, WITH PRIMARY HYPOGONADISM, MENTAL RETARDATION, AND ALOPECIA. Identifiers: Orphanet 3464, MedGen C0342286, MONDO:0009419, OMIM 241080.

Allele frequency attached by ClinVar (database versions not stated): gnomAD 0.01646 and 0.01581; TOPMed 0.01852; 1000 Genomes Project 0.02476; 1000 Genomes Project 30x 0.02498; ExAC 0.00177.

Submission:

Illumina Laboratory Services, Illumina
Classification: Benign for Woodhouse-Sakati syndrome. Last evaluated: 2018-01-13. Review status: criteria provided, single submitter. Criteria: ICSL Variant Classification Criteria 13 December 2019. Collection method: clinical testing. Allele origin: germline.
Comment: This variant was observed in the ICSL laboratory as part of a predisposition screen in an ostensibly healthy population. It had not been previously curated by ICSL or reported in the Human Gene Mutation Database (HGMD: prior to June 1st, 2018), and was therefore a candidate for classification through an automated scoring system. Utilizing variant allele frequency, disease prevalence and penetrance estimates, and inheritance mode, an automated score was calculated to assess if this variant is too frequent to cause the disease. Based on the score and internal cut-off values, a variant classified as benign is not then subjected to further curation. The score for this variant resulted in a classification of benign for this disease.